The following is an entry in ClinVar:

NM_001037131.3(AGAP1):c.2224G>A (p.Asp742Asn)

Gene: AGAP1 (ArfGAP with GTPase domain, ankyrin repeat and PH domain 1; plus strand). Cytogenetic location: 2q37.2.
Variant type: single nucleotide variant.
Coding change: c.2224G>A on transcript NM_001037131.3 (MANE Select); coding-DNA position 2224, G replaced by A.
Protein change: p.Asp742Asn; replaces aspartic acid 742 with asparagine.
Molecular consequence: missense variant.
Genome position (GRCh38, 1-based): chr2:236,120,301, G>A. VCF-style: chr2-236120301-G-A. GRCh37 (hg19) VCF-style: chr2-237028945-G-A.
Other names: c.2065G>A, p.Asp689Asn (NM_014914.5); short protein forms D742N, D689N.
Identifiers: ClinVar variation 2716697 (VCV002716697.3), dbSNP rs954210067, ClinGen allele CA67711293.
Genomic context (GRCh38, chr2:236,120,301, plus strand): 5'-CTGGCCCCGCTGCCCTGCACGGAGCTGTCCCTGGGCCAGCACCTGCTGCGGGCCACCGCC[G>A]ACGAGGACCTGCGGACGGCCATCCTGCTGCTGGCACACGGCTCCCGGGACGAGGTGAACG-3'
Protein context (NP_001032208.1, residues 732-752): LGQHLLRATA[Asp742Asn]EDLRTAILLL

ClinVar aggregate classification (germline): Uncertain significance (1 of 4 stars; one submission).

Allele frequency attached by ClinVar (database versions not stated): gnomAD 0.00003; TOPMed 0.00005.
gnomAD v4.1: 28 of 1,612,794 alleles (0.0017%); highest among the groups gnomAD compares: African/African-American, 0.0093%; no homozygotes.

Submission:

Labcorp Genetics (formerly Invitae), Labcorp
Classification: Uncertain significance. Last evaluated: 2025-10-21. Review status: criteria provided, single submitter. Criteria: Invitae Variant Classification Sherloc (09022015). Collection method: clinical testing. Allele origin: germline.
Comment: This sequence change replaces aspartic acid, which is acidic and polar, with asparagine, which is neutral and polar, at codon 689 of the AGAP1 protein (p.Asp689Asn). This variant is present in population databases (no rsID available, gnomAD 0.005%). This variant has not been reported in the literature in individuals affected with AGAP1-related conditions. ClinVar contains an entry for this variant (Variation ID: 2716697). An algorithm developed to predict the effect of missense changes on protein structure and function (PolyPhen-2) suggests that this variant is likely to be tolerated. In summary, the available evidence is currently insufficient to determine the role of this variant in disease. Therefore, it has been classified as a Variant of Uncertain Significance.